The following is an entry in ClinVar:

ClinVar aggregate classification (germline): Uncertain significance (1 of 4 stars; one submission).

Allele frequency attached by ClinVar (database versions not stated): gnomAD exomes below 0.00001; TOPMed below 0.00001; ExAC 0.00001.
gnomAD v4.1: 2 of 1,613,926 alleles (0.00012%); highest among the groups gnomAD compares: Non-Finnish European, 0.00017%; no homozygotes.

Submission:

Labcorp Genetics (formerly Invitae), Labcorp
Classification: Uncertain significance. Last evaluated: 2022-01-02. Review status: criteria provided, single submitter. Criteria: Invitae Variant Classification Sherloc (09022015). Collection method: clinical testing. Allele origin: germline.
Comment: In summary, the available evidence is currently insufficient to determine the role of this variant in disease. Therefore, it has been classified as a Variant of Uncertain Significance. Algorithms developed to predict the effect of missense changes on protein structure and function (SIFT, PolyPhen-2, Align-GVGD) all suggest that this variant is likely to be disruptive. This variant has not been reported in the literature in individuals affected with POLG2-related conditions. This variant is present in population databases (rs782784859, gnomAD 0.0009%). This sequence change replaces glycine, which is neutral and non-polar, with serine, which is neutral and polar, at codon 207 of the POLG2 protein (p.Gly207Ser).

NM_007215.4(POLG2):c.619G>A (p.Gly207Ser)

Genes: MILR1 (mast cell immunoglobulin like receptor 1; plus strand), POLG2 (DNA polymerase gamma 2, accessory subunit; minus strand). Cytogenetic location: 17q23.3.
Variant type: single nucleotide variant.
Coding change: c.619G>A on transcript NM_007215.4 (MANE Select); coding-DNA position 619, G replaced by A.
Protein change: p.Gly207Ser; replaces glycine 207 with serine.
Molecular consequence: missense variant.
Genome position (GRCh38, 1-based): chr17:64,492,965, C>T on the plus strand (G>A on the coding strand, the complement: POLG2 is on the minus strand). VCF-style: chr17-64492965-C-T. GRCh37 (hg19) VCF-style: chr17-62489082-C-T.
Other names: short protein forms G207S.
Identifiers: ClinVar variation 2071143 (VCV002071143.4), dbSNP rs782784859, ClinGen allele CA8712968.